The following is an entry in ClinVar:

NM_000350.3(ABCA4):c.6047dup (p.Tyr2016Ter)

Gene: ABCA4 (ATP binding cassette subfamily A member 4; minus strand). Cytogenetic location: 1p22.1.
Variant type: Duplication.
Coding change: c.6047dup on transcript NM_000350.3 (MANE Select); coding-DNA position 6047, one base duplicated (A; older notation c.6047dupA).
Protein change: p.Tyr2016Ter; replaces tyrosine 2016 with a stop codon.
Molecular consequence: nonsense.
Genome position (GRCh38, 1-based): chr1:94,005,541, T duplicated on the plus strand (A on the coding strand, the reverse complement: ABCA4 is on the minus strand). VCF-style (leftmost placement, unchanged base first): chr1-94005540-G-GT. GRCh37 (hg19) VCF-style: chr1-94471096-G-GT.
Other names: c.5825dup, p.Tyr1942Ter (NM_001425324.1); short protein forms Y1942*, Y2016*.
Identifiers: ClinVar variation 4730059 (VCV004730059.1).

ClinVar aggregate classification (germline): Pathogenic (1 of 4 stars; one submission).

Submission:

Labcorp Genetics (formerly Invitae), Labcorp
Classification: Pathogenic. Last evaluated: 2025-10-27. Review status: criteria provided, single submitter. Criteria: Invitae Variant Classification Sherloc (09022015). Collection method: clinical testing. Allele origin: germline.
Comment: This sequence change creates a premature translational stop signal (p.Tyr2016*) in the ABCA4 gene. It is expected to result in an absent or disrupted protein product. Loss-of-function variants in ABCA4 are known to be pathogenic (PMID: 10958761, 24938718, 25312043, 26780318). This variant is not present in population databases (gnomAD no frequency). This variant has not been reported in the literature in individuals affected with ABCA4-related conditions. For these reasons, this variant has been classified as Pathogenic.

Literature cited by the submitters: PubMed 10958761; PubMed 24938718; PubMed 25312043; PubMed 26780318.